The following is an entry in ClinVar:

NM_016169.4(SUFU):c.670C>T (p.Arg224Trp)

Gene: SUFU (SUFU negative regulator of hedgehog signaling; plus strand). Cytogenetic location: 10q24.32.
Variant type: single nucleotide variant.
Coding change: c.670C>T on transcript NM_016169.4 (MANE Select); coding-DNA position 670, C replaced by T.
Protein change: p.Arg224Trp; replaces arginine 224 with tryptophan.
Molecular consequence: missense variant.
Genome position (GRCh38, 1-based): chr10:102,593,708, C>T. VCF-style: chr10-102593708-C-T. GRCh37 (hg19) VCF-style: chr10-104353465-C-T.
Other names: c.670C>T, p.Arg224Trp (NM_001178133.2); short protein forms R224W.
Identifiers: ClinVar variation 826567 (VCV000826567.13), dbSNP rs1590062935, ClinGen allele CA377909616.

ClinVar aggregate classification (germline): Uncertain significance. Review status: criteria provided, multiple submitters, no conflicts (2 of 4 stars). 3 submissions from 3 submitters: Uncertain significance (3). Last evaluated 2025-07-28.

Conditions:
Hereditary cancer-predisposing syndrome. Also called: Neoplastic Syndromes, Hereditary; Hereditary Cancer Syndrome; Hereditary neoplastic syndrome; Tumor predisposition. Identifiers: Orphanet 140162, MedGen C0027672, MeSH D009386, MONDO:0015356.
Gorlin syndrome. Also called: Nevoid Basal Cell Carcinoma Syndrome; Basal cell nevus syndrome. Identifiers: Orphanet 377, MedGen C0004779, MONDO:0007187.
Medulloblastoma (MDB). Also called: MEDULLOBLASTOMA PREDISPOSITION SYNDROME; Medulloblastoma, somatic. Identifiers: Orphanet 616, MedGen C0025149, MeSH D008527, MONDO:0007959, OMIM 155255, HP:0002885.

Allele frequency attached by ClinVar (database versions not stated): TOPMed below 0.00001.

Submissions (3):

Ambry Genetics
Classification: Uncertain significance for Hereditary cancer-predisposing syndrome. Last evaluated: 2025-07-28. Review status: criteria provided, single submitter. Criteria: Ambry Variant Classification Scheme 2023. Collection method: clinical testing. Allele origin: germline.
Comment: The p.R224W variant (also known as c.670C>T), located in coding exon 5 of the SUFU gene, results from a C to T substitution at nucleotide position 670. The arginine at codon 224 is replaced by tryptophan, an amino acid with dissimilar properties. This amino acid position is highly conserved in available vertebrate species. In addition, this alteration is predicted to be deleterious by in silico analysis. Since supporting evidence is limited at this time, the clinical significance of this alteration remains unclear.

Labcorp Genetics (formerly Invitae), Labcorp
Classification: Uncertain significance for Gorlin syndrome; Medulloblastoma. Last evaluated: 2025-06-15. Review status: criteria provided, single submitter. Criteria: Invitae Variant Classification Sherloc (09022015). Collection method: clinical testing. Allele origin: germline.
Comment: This sequence change replaces arginine, which is basic and polar, with tryptophan, which is neutral and slightly polar, at codon 224 of the SUFU protein (p.Arg224Trp). This variant is not present in population databases (gnomAD no frequency). This variant has not been reported in the literature in individuals affected with SUFU-related conditions. ClinVar contains an entry for this variant (Variation ID: 826567). Invitae Evidence Modeling of protein sequence and biophysical properties (such as structural, functional, and spatial information, amino acid conservation, physicochemical variation, residue mobility, and thermodynamic stability) indicates that this missense variant is not expected to disrupt SUFU protein function with a negative predictive value of 80%. In summary, the available evidence is currently insufficient to determine the role of this variant in disease. Therefore, it has been classified as a Variant of Uncertain Significance.

GeneDx
Classification: Uncertain significance. Last evaluated: 2024-07-28. Review status: criteria provided, single submitter. Criteria: GeneDx Variant Classification Process June 2021. Collection method: clinical testing. Allele origin: germline. Affected: yes.
Comment: Not observed at significant frequency in large population cohorts (gnomAD); In silico analysis supports that this missense variant has a deleterious effect on protein structure/function; Has not been previously published as pathogenic or benign to our knowledge; This variant is associated with the following publications: (PMID: 24311597)